The following is an entry in ClinVar:

NM_001035.3(RYR2):c.13873G>T (p.Asp4625Tyr)

Gene: RYR2 (ryanodine receptor 2; plus strand). Cytogenetic location: 1q43.
Variant type: single nucleotide variant.
Coding change: c.13873G>T on transcript NM_001035.3 (MANE Select); coding-DNA position 13873, G replaced by T.
Protein change: p.Asp4625Tyr; replaces aspartic acid 4625 with tyrosine.
Molecular consequence: missense variant.
Genome position (GRCh38, 1-based): chr1:237,793,957, G>T. VCF-style: chr1-237793957-G-T. GRCh37 (hg19) VCF-style: chr1-237957257-G-T.
Other names: short protein forms D4625Y.
Identifiers: ClinVar variation 1771423 (VCV001771423.2), dbSNP rs2527950095, ClinGen allele CA345418248.

ClinVar aggregate classification (germline): Uncertain significance (1 of 4 stars; one submission).

Conditions:
Cardiovascular phenotype. Identifiers: MedGen CN230736.

Submission:

Ambry Genetics
Classification: Uncertain significance for Cardiovascular phenotype. Last evaluated: 2021-02-12. Review status: criteria provided, single submitter. Criteria: Ambry Variant Classification Scheme 2023. Collection method: clinical testing. Allele origin: germline.
Comment: The p.D4625Y variant (also known as c.13873G>T), located in coding exon 95 of the RYR2 gene, results from a G to T substitution at nucleotide position 13873. The aspartic acid at codon 4625 is replaced by tyrosine, an amino acid with highly dissimilar properties. This amino acid position is highly conserved in available vertebrate species. In addition, this alteration is predicted to be deleterious by in silico analysis. Since supporting evidence is limited at this time, the clinical significance of this alteration remains unclear.